The following is an entry in ClinVar:

NM_002439.5(MSH3):c.2054A>G (p.Tyr685Cys)

Gene: MSH3 (mutS homolog 3; plus strand). Cytogenetic location: 5q14.1.
Variant type: single nucleotide variant.
Coding change: c.2054A>G on transcript NM_002439.5 (MANE Select); coding-DNA position 2054, A replaced by G.
Protein change: p.Tyr685Cys; replaces tyrosine 685 with cysteine.
Molecular consequence: missense variant.
Genome position (GRCh38, 1-based): chr5:80,768,090, A>G. VCF-style: chr5-80768090-A-G. GRCh37 (hg19) VCF-style: chr5-80063909-A-G.
Other names: short protein forms Y685C.
Identifiers: ClinVar variation 1047647 (VCV001047647.12), dbSNP rs1744154534, ClinGen allele CA360277902.

ClinVar aggregate classification (germline): Uncertain significance. Review status: criteria provided, multiple submitters, no conflicts (2 of 4 stars). 2 submissions from 2 submitters: Uncertain significance (2). Last evaluated 2025-05-31.

Conditions:
Hereditary cancer-predisposing syndrome. Also called: Hereditary Cancer Syndrome; Tumor predisposition; Hereditary neoplastic syndrome; Neoplastic Syndromes, Hereditary. Identifiers: Orphanet 140162, MedGen C0027672, MeSH D009386, MONDO:0015356.

Allele frequency attached by ClinVar (database versions not stated): TOPMed below 0.00001.

Submissions (2):

Ambry Genetics
Classification: Uncertain significance for Hereditary cancer-predisposing syndrome. Last evaluated: 2025-05-31. Review status: criteria provided, single submitter. Criteria: Ambry Variant Classification Scheme 2023. Collection method: clinical testing. Allele origin: germline.
Comment: The p.Y685C variant (also known as c.2054A>G), located in coding exon 14 of the MSH3 gene, results from an A to G substitution at nucleotide position 2054. The tyrosine at codon 685 is replaced by cysteine, an amino acid with highly dissimilar properties. This amino acid position is conserved. In addition, this alteration is predicted to be deleterious by in silico analysis. Since supporting evidence is limited at this time, the clinical significance of this alteration remains unclear.

Labcorp Genetics (formerly Invitae), Labcorp
Classification: Uncertain significance. Last evaluated: 2023-06-12. Review status: criteria provided, single submitter. Criteria: Invitae Variant Classification Sherloc (09022015). Collection method: clinical testing. Allele origin: germline.
Comment: This sequence change replaces tyrosine, which is neutral and polar, with cysteine, which is neutral and slightly polar, at codon 685 of the MSH3 protein (p.Tyr685Cys). This variant is not present in population databases (gnomAD no frequency). This variant has not been reported in the literature in individuals affected with MSH3-related conditions. ClinVar contains an entry for this variant (Variation ID: 1047647). An algorithm developed to predict the effect of missense changes on protein structure and function (PolyPhen-2) suggests that this variant is likely to be disruptive. In summary, the available evidence is currently insufficient to determine the role of this variant in disease. Therefore, it has been classified as a Variant of Uncertain Significance.